The following is an entry in ClinVar:

ClinVar aggregate classification (germline): Uncertain significance. Review status: criteria provided, multiple submitters, no conflicts (2 of 4 stars). 2 submissions from 2 submitters: Uncertain significance (2). Last evaluated 2023-06-02.

Conditions:
Fanconi anemia (FA). Also called: Fanconi's anemia. Identifiers: Orphanet 84, MedGen C0015625, MeSH D005199, MONDO:0019391.

Allele frequency attached by ClinVar (database versions not stated): gnomAD exomes below 0.00001.
gnomAD v4.1: 1 of 1,614,008 alleles (0.000062%); highest among the groups gnomAD compares: Admixed American, 0.0017%; no homozygotes.

Submissions (2):

Blueprint Genetics
Classification: Uncertain significance. Last evaluated: 2023-06-02. Review status: criteria provided, single submitter. Criteria: ACMG Guidelines, 2015. Collection method: clinical testing. Allele origin: germline.

Labcorp Genetics (formerly Invitae), Labcorp
Classification: Uncertain significance for Fanconi anemia. Last evaluated: 2022-08-27. Review status: criteria provided, single submitter. Criteria: Invitae Variant Classification Sherloc (09022015). Collection method: clinical testing. Allele origin: germline.
Comment: This sequence change replaces glutamic acid, which is acidic and polar, with alanine, which is neutral and non-polar, at codon 961 of the FANCA protein (p.Glu961Ala). This variant is present in population databases (no rsID available, gnomAD 0.003%). This variant has not been reported in the literature in individuals affected with FANCA-related conditions. Advanced modeling of protein sequence and biophysical properties (such as structural, functional, and spatial information, amino acid conservation, physicochemical variation, residue mobility, and thermodynamic stability) performed at Invitae indicates that this missense variant is not expected to disrupt FANCA protein function. In summary, the available evidence is currently insufficient to determine the role of this variant in disease. Therefore, it has been classified as a Variant of Uncertain Significance.

NM_000135.4(FANCA):c.2882A>C (p.Glu961Ala)

Gene: FANCA (FA complementation group A; minus strand). Cytogenetic location: 16q24.3.
Variant type: single nucleotide variant.
Coding change: c.2882A>C on transcript NM_000135.4 (MANE Select); coding-DNA position 2882, A replaced by C.
Protein change: p.Glu961Ala; replaces glutamic acid 961 with alanine.
Molecular consequence: missense variant.
Genome position (GRCh38, 1-based): chr16:89,758,676, T>G on the plus strand (A>C on the coding strand, the complement: FANCA is on the minus strand). VCF-style: chr16-89758676-T-G. GRCh37 (hg19) VCF-style: chr16-89825084-T-G.
Other names: c.2882A>C, p.Glu961Ala (NM_001286167.3); short protein forms E961A.
Identifiers: ClinVar variation 2039940 (VCV002039940.4), dbSNP rs1354024073, ClinGen allele CA397431473.